The following is an entry in ClinVar:

NM_001972.4(ELANE):c.431G>A (p.Arg144His)

Gene: ELANE (elastase, neutrophil expressed; plus strand). Cytogenetic location: 19p13.3.
Variant type: single nucleotide variant.
Coding change: c.431G>A on transcript NM_001972.4 (MANE Select); coding-DNA position 431, G replaced by A.
Protein change: p.Arg144His; replaces arginine 144 with histidine.
Molecular consequence: missense variant.
Genome position (GRCh38, 1-based): chr19:855,628, G>A. VCF-style: chr19-855628-G-A. GRCh37 (hg19) VCF-style: chr19-855628-G-A.
Other names: c.431G>A (LRG_57t1, NM_001972.3); short protein forms R144H.
Identifiers: ClinVar variation 242281 (VCV000242281.18), dbSNP rs142441575, ClinGen allele CA9026059.

ClinVar aggregate classification (germline): Conflicting classifications of pathogenicity. Review status: criteria provided, conflicting classifications (1 of 4 stars). 4 submissions from 4 submitters: Uncertain significance (3); Likely benign (1). Last evaluated 2026-01-21.

Conditions:
Neutropenia, severe congenital, 1, autosomal dominant. Identifiers: MedGen C1859966, MONDO:0042490, OMIM 202700.
Cyclical neutropenia. Also called: Cyclic hematopoiesis; Cyclic Neutropenia. Identifiers: Orphanet 2686, MedGen C0221023, MONDO:0008090, OMIM 162800, HP:0040289. Disease mechanism: loss of function.

Allele frequency attached by ClinVar (database versions not stated): gnomAD exomes 0.00008; ExAC 0.00011; 1000 Genomes Project 30x 0.00016; gnomAD 0.00017 and 0.00020; 1000 Genomes Project 0.00020; ESP Exome Variant Server 0.00023; TOPMed 0.00023.
gnomAD v4.1: 66 of 1,604,506 alleles (0.0041%); highest among the groups gnomAD compares: African/African-American, 0.064%; no homozygotes.

Submissions (4):

Labcorp Genetics (formerly Invitae), Labcorp
Classification: Uncertain significance for Neutropenia, severe congenital, 1, autosomal dominant; Cyclical neutropenia. Last evaluated: 2026-01-21. Review status: criteria provided, single submitter. Criteria: Invitae Variant Classification Sherloc (09022015). Collection method: clinical testing. Allele origin: germline.
Comment: This sequence change replaces arginine, which is basic and polar, with histidine, which is basic and polar, at codon 144 of the ELANE protein (p.Arg144His). This variant is present in population databases (rs142441575, gnomAD 0.07%), and has an allele count higher than expected for a pathogenic variant. This variant has not been reported in the literature in individuals affected with ELANE-related conditions. ClinVar contains an entry for this variant (Variation ID: 242281). Invitae Evidence Modeling of protein sequence and biophysical properties (such as structural, functional, and spatial information, amino acid conservation, physicochemical variation, residue mobility, and thermodynamic stability) has been performed for this missense variant. However, the output from this modeling did not meet the statistical confidence thresholds required to predict the impact of this variant on ELANE protein function. In summary, the available evidence is currently insufficient to determine the role of this variant in disease. Therefore, it has been classified as a Variant of Uncertain Significance.

Johns Hopkins Genomics, Johns Hopkins University
Classification: Likely benign for Neutropenia, severe congenital, 1, autosomal dominant. Last evaluated: 2024-07-01. Review status: criteria provided, single submitter. Criteria: ACMG Guidelines, 2015. Collection method: clinical testing. Allele origin: germline.
Comment: BS1, BS2_supporting

Fulgent Genetics
Classification: Uncertain significance for Cyclical neutropenia; Neutropenia, severe congenital, 1, autosomal dominant. Last evaluated: 2022-04-06. Review status: criteria provided, single submitter. Criteria: ACMG Guidelines, 2015. Collection method: clinical testing. Allele origin: unknown.

GeneDx
Classification: Uncertain significance. Last evaluated: 2020-09-02. Review status: criteria provided, single submitter. Criteria: GeneDx Variant Classification Process June 2021. Collection method: clinical testing. Allele origin: germline. Affected: yes.
Comment: Has not been previously published as pathogenic or benign to our knowledge; In silico analysis supports that this missense variant does not alter protein structure/function

Literature cited by the submitters: PubMed 17761833 (cited by Johns Hopkins Genomics, Johns Hopkins University); PubMed 20301705 (cited by Johns Hopkins Genomics, Johns Hopkins University); PubMed 32883808 (cited by Johns Hopkins Genomics, Johns Hopkins University).